The following is an entry in ClinVar:

ClinVar aggregate classification (germline): Uncertain significance (0 of 4 stars; one submission).

Conditions:
TRRAP-related disorder. Also called: TRRAP-related condition.

Submission:

PreventionGenetics, part of Exact Sciences
Classification: Uncertain significance for TRRAP-related condition. Last evaluated: 2023-12-20. Review status: no assertion criteria provided. Collection method: clinical testing. Allele origin: germline.
Comment: The TRRAP c.6643G>T variant is predicted to result in the amino acid substitution p.Ala2215Ser. To our knowledge, this variant has not been reported in the literature or in a large population database, indicating this variant is rare. At this time, the clinical significance of this variant is uncertain due to the absence of conclusive functional and genetic evidence.

NM_001375524.1(TRRAP):c.6718G>T (p.Ala2240Ser)

Gene: TRRAP (transformation/transcription domain associated protein; plus strand). Cytogenetic location: 7q22.1.
Variant type: single nucleotide variant.
Coding change: c.6718G>T on transcript NM_001375524.1 (MANE Select); coding-DNA position 6718, G replaced by T.
Protein change: p.Ala2240Ser; replaces alanine 2240 with serine.
Molecular consequence: missense variant.
Genome position (GRCh38, 1-based): chr7:98,962,316, G>T. VCF-style: chr7-98962316-G-T. GRCh37 (hg19) VCF-style: chr7-98559939-G-T.
Other names: c.6697G>T, p.Ala2233Ser (NM_001244580.2); c.6643G>T, p.Ala2215Ser (NM_003496.4); short protein forms A2215S, A2233S, A2240S.
Identifiers: ClinVar variation 3029617 (VCV003029617.2), dbSNP rs2484899306, ClinGen allele CA368286613.